The following is an entry in ClinVar:

ClinVar aggregate classification (germline): Likely benign. Review status: criteria provided, multiple submitters, no conflicts (2 of 4 stars). 3 submissions from 3 submitters: Likely benign (2). 1 of the submissions does not count toward it. Last evaluated 2025-12-14.

Conditions:
SIM1-related disorder. Also called: SIM1-related disorders; SIM1-related condition.

Allele frequency attached by ClinVar (database versions not stated): ExAC 0.00002; gnomAD exomes 0.00003; TOPMed 0.00005; gnomAD 0.00011.
gnomAD v4.1: 66 of 1,612,702 alleles (0.0041%); highest among the groups gnomAD compares: Non-Finnish European, 0.0051%; no homozygotes.

Submissions (3):

Labcorp Genetics (formerly Invitae), Labcorp
Classification: Likely benign. Last evaluated: 2025-12-14. Review status: criteria provided, single submitter. Criteria: Invitae Variant Classification Sherloc (09022015). Collection method: clinical testing. Allele origin: germline.

Laboratory of Genetics, Children's Clinical University Hospital Latvia
Classification: Likely benign. Last evaluated: 2025-02-16. Review status: criteria provided, single submitter. Criteria: ACMG Guidelines, 2015. Collection method: clinical testing. Allele origin: germline. Affected: yes.

PreventionGenetics, part of Exact Sciences
Classification: Likely benign for SIM1-related condition. Last evaluated: 2022-07-27. Review status: no assertion criteria provided. Collection method: clinical testing. Allele origin: germline. Not counted in ClinVar's aggregate classification.
Comment: This variant is classified as likely benign based on ACMG/AMP sequence variant interpretation guidelines (Richards et al. 2015 PMID: 25741868, with internal and published modifications).

NM_005068.3(SIM1):c.1605T>C (p.Ser535=)

Gene: SIM1 (SIM bHLH transcription factor 1; minus strand). Cytogenetic location: 6q16.3.
Variant type: single nucleotide variant.
Coding change: c.1605T>C on transcript NM_005068.3 (MANE Select); coding-DNA position 1605, T replaced by C.
Protein change: p.Ser535=; no amino-acid change (serine 535 retained).
Molecular consequence: synonymous variant.
Genome position (GRCh38, 1-based): chr6:100,391,057, A>G on the plus strand (T>C on the coding strand, the complement: SIM1 is on the minus strand). VCF-style: chr6-100391057-A-G. GRCh37 (hg19) VCF-style: chr6-100838933-A-G.
Other names: c.1605T>C, p.Ser535= (NM_001374769.1); c.1605T>C (NM_005068.2).
Identifiers: ClinVar variation 2997986 (VCV002997986.5), dbSNP rs756788777, ClinGen allele CA3936976.